The following is an entry in ClinVar:

NM_024747.6(HPS6):c.1343C>T (p.Pro448Leu)

Gene: HPS6 (HPS6 biogenesis of lysosomal organelles complex 2 subunit 3; plus strand). Cytogenetic location: 10q24.32.
Variant type: single nucleotide variant.
Coding change: c.1343C>T on transcript NM_024747.6 (MANE Select); coding-DNA position 1343, C replaced by T.
Protein change: p.Pro448Leu; replaces proline 448 with leucine.
Molecular consequence: missense variant.
Genome position (GRCh38, 1-based): chr10:102,066,817, C>T. VCF-style: chr10-102066817-C-T. GRCh37 (hg19) VCF-style: chr10-103826574-C-T.
Other names: p.Pro448Leu; short protein forms P448L.
Identifiers: ClinVar variation 4541578 (VCV004541578.1).

ClinVar aggregate classification (germline): Uncertain significance (1 of 4 stars; one submission).

gnomAD v4.1: 1 of 1,614,112 alleles (0.000062%); highest among the groups gnomAD compares: African/African-American, 0.0013%; no homozygotes.

Submission:

Mayo Clinic Laboratories, Mayo Clinic
Classification: Uncertain significance. Last evaluated: 2025-05-14. Review status: criteria provided, single submitter. Criteria: ACMG Guidelines, 2015. Collection method: clinical testing. Allele origin: germline. Observed: 1 variant allele.
Comment: PM2_supporting